The following is an entry in ClinVar:

NM_174934.4(SCN4B):c.7G>A (p.Gly3Arg)

Gene: SCN4B (sodium voltage-gated channel beta subunit 4; minus strand). Cytogenetic location: 11q23.3.
Variant type: single nucleotide variant.
Coding change: c.7G>A on transcript NM_174934.4 (MANE Select); coding-DNA position 7, G replaced by A.
Protein change: p.Gly3Arg; replaces glycine 3 with arginine.
Molecular consequence: missense variant.
Genome position (GRCh38, 1-based): chr11:118,152,667, C>T on the plus strand (G>A on the coding strand, the complement: SCN4B is on the minus strand). VCF-style: chr11-118152667-C-T. GRCh37 (hg19) VCF-style: chr11-118023382-C-T.
Other names: c.7G>A, p.Gly3Arg (NM_001142348.2); short protein forms G3R.
Identifiers: ClinVar variation 1761595 (VCV001761595.3), dbSNP rs1259209815, ClinGen allele CA382780572.

ClinVar aggregate classification (germline): Uncertain significance. Review status: criteria provided, multiple submitters, no conflicts (2 of 4 stars). 2 submissions from 2 submitters: Uncertain significance (2). Last evaluated 2026-01-11.

Conditions:
Cardiovascular phenotype. Identifiers: MedGen CN230736.
Long QT syndrome 10 (LQT10). Identifiers: Orphanet 101016, Orphanet 768, MedGen C2678484, MONDO:0012737, OMIM 611819.

Allele frequency attached by ClinVar (database versions not stated): gnomAD exomes below 0.00001.

Submissions (2):

Labcorp Genetics (formerly Invitae), Labcorp
Classification: Uncertain significance for Long QT syndrome 10. Last evaluated: 2026-01-11. Review status: criteria provided, single submitter. Criteria: Invitae Variant Classification Sherloc (09022015). Collection method: clinical testing. Allele origin: germline.
Comment: This sequence change replaces glycine, which is neutral and non-polar, with arginine, which is basic and polar, at codon 3 of the SCN4B protein (p.Gly3Arg). This variant is present in population databases (no rsID available, gnomAD 0.01%). This variant has not been reported in the literature in individuals affected with SCN4B-related conditions. ClinVar contains an entry for this variant (Variation ID: 1761595). An algorithm developed to predict the effect of missense changes on protein structure and function outputs the following: PolyPhen-2: "Benign". The arginine amino acid residue is found in multiple mammalian species, which suggests that this missense change does not adversely affect protein function. In summary, the available evidence is currently insufficient to determine the role of this variant in disease. Therefore, it has been classified as a Variant of Uncertain Significance.

Ambry Genetics
Classification: Uncertain significance for Cardiovascular phenotype. Last evaluated: 2021-12-29. Review status: criteria provided, single submitter. Criteria: Ambry Variant Classification Scheme 2023. Collection method: clinical testing. Allele origin: germline.
Comment: The p.G3R variant (also known as c.7G>A), located in coding exon 1 of the SCN4B gene, results from a G to A substitution at nucleotide position 7. The glycine at codon 3 is replaced by arginine, an amino acid with dissimilar properties. This amino acid position is conserved. In addition, this alteration is predicted to be tolerated by in silico analysis. Since supporting evidence is limited at this time, the clinical significance of this alteration remains unclear.